The following is an entry in ClinVar:

ClinVar aggregate classification (germline): Pathogenic (1 of 4 stars; one submission).

Conditions:
Congenital hyperammonemia, type I. Also called: CPS I DEFICIENCY; Carbamoyl phosphate synthetase I deficiency disease; Carbamoyl phosphate synthetase 1 deficiency; Hyperammonemia due to carbamoyl phosphate synthetase 1 deficiency; CPS 1 deficiency; Carbamyl phosphate synthetase (CPS) deficiency. Identifiers: Orphanet 147, MedGen C4082171, MONDO:0009376, OMIM 237300.

Submission:

Labcorp Genetics (formerly Invitae), Labcorp
Classification: Pathogenic for Congenital hyperammonemia, type I. Last evaluated: 2023-03-20. Review status: criteria provided, single submitter. Criteria: Invitae Variant Classification Sherloc (09022015). Collection method: clinical testing. Allele origin: germline.
Comment: This sequence change creates a premature translational stop signal (p.Gln320*) in the CPS1 gene. It is expected to result in an absent or disrupted protein product. Loss-of-function variants in CPS1 are known to be pathogenic (PMID: 21120950). This variant is not present in population databases (gnomAD no frequency). This variant has not been reported in the literature in individuals affected with CPS1-related conditions. For these reasons, this variant has been classified as Pathogenic.

Literature cited by the submitters: PubMed 21120950.

NM_001875.5(CPS1):c.958C>T (p.Gln320Ter)

Gene: CPS1 (carbamoyl-phosphate synthase 1; plus strand). Cytogenetic location: 2q34.
Variant type: single nucleotide variant.
Coding change: c.958C>T on transcript NM_001875.5 (MANE Select); coding-DNA position 958, C replaced by T.
Protein change: p.Gln320Ter; replaces glutamine 320 with a stop codon.
Molecular consequence: nonsense. On other transcripts: non-coding transcript variant (1).
Genome position (GRCh38, 1-based): chr2:210,591,841, C>T. VCF-style: chr2-210591841-C-T. GRCh37 (hg19) VCF-style: chr2-211456565-C-T.
Other names: c.958C>T, p.Gln320Ter (NM_001122633.3, NM_001369257.1); c.991C>T, p.Gln331Ter (NM_001369256.1); short protein forms Q320*, Q331*.
Identifiers: ClinVar variation 2847646 (VCV002847646.3), dbSNP rs2469123781, ClinGen allele CA350430411.